The following is an entry in ClinVar:

NM_006767.4(LZTR1):c.2259C>A (p.Asn753Lys)

Gene: LZTR1 (leucine zipper like post translational regulator 1; plus strand). Cytogenetic location: 22q11.21.
Variant type: single nucleotide variant.
Coding change: c.2259C>A on transcript NM_006767.4 (MANE Select); coding-DNA position 2259, C replaced by A.
Protein change: p.Asn753Lys; replaces asparagine 753 with lysine.
Molecular consequence: missense variant.
Genome position (GRCh38, 1-based): chr22:20,996,735, C>A. VCF-style: chr22-20996735-C-A. GRCh37 (hg19) VCF-style: chr22-21351024-C-A.
Other names: c.2259C>A (NM_006767.3); short protein forms N753K.
Identifiers: ClinVar variation 1909091 (VCV001909091.6), dbSNP rs1319068656, ClinGen allele CA410780807.

ClinVar aggregate classification (germline): Uncertain significance. Review status: criteria provided, multiple submitters, no conflicts (2 of 4 stars). 2 submissions from 2 submitters: Uncertain significance (2). Last evaluated 2026-09-14.

Conditions:
Hereditary cancer-predisposing syndrome. Also called: Hereditary neoplastic syndrome; Neoplastic Syndromes, Hereditary; Tumor predisposition; Hereditary Cancer Syndrome. Identifiers: Orphanet 140162, MedGen C0027672, MeSH D009386, MONDO:0015356.
Cardiovascular phenotype. Identifiers: MedGen CN230736.

Submissions (2):

Ambry Genetics
Classification: Uncertain significance for Cardiovascular phenotype; Hereditary cancer-predisposing syndrome. Last evaluated: 2026-09-14. Review status: criteria provided, single submitter. Criteria: Ambry Variant Classification Scheme 2023. Collection method: clinical testing. Allele origin: germline.
Comment: The p.N753K variant (also known as c.2259C>A), located in coding exon 19 of the LZTR1 gene, results from a C to A substitution at nucleotide position 2259. The asparagine at codon 753 is replaced by lysine, an amino acid with similar properties. This amino acid position is conserved. In addition, this alteration is predicted to be tolerated by in silico analysis. Based on the available evidence, the clinical significance of this variant remains unclear.

Labcorp Genetics (formerly Invitae), Labcorp
Classification: Uncertain significance. Last evaluated: 2025-03-20. Review status: criteria provided, single submitter. Criteria: Invitae Variant Classification Sherloc (09022015). Collection method: clinical testing. Allele origin: germline.
Comment: This sequence change replaces asparagine, which is neutral and polar, with lysine, which is basic and polar, at codon 753 of the LZTR1 protein (p.Asn753Lys). This variant is not present in population databases (gnomAD no frequency). This variant has not been reported in the literature in individuals affected with LZTR1-related conditions. ClinVar contains an entry for this variant (Variation ID: 1909091). Invitae Evidence Modeling of protein sequence and biophysical properties (such as structural, functional, and spatial information, amino acid conservation, physicochemical variation, residue mobility, and thermodynamic stability) indicates that this missense variant is not expected to disrupt LZTR1 protein function with a negative predictive value of 80%. In summary, the available evidence is currently insufficient to determine the role of this variant in disease. Therefore, it has been classified as a Variant of Uncertain Significance.